The following is an entry in ClinVar:

ClinVar aggregate classification (germline): Uncertain significance (1 of 4 stars; one submission).

Allele frequency attached by ClinVar (database versions not stated): ESP Exome Variant Server 0.00017.
gnomAD v4.1: 3 of 1,612,296 alleles (0.00019%); highest among the groups gnomAD compares: African/African-American, 0.0027%; no homozygotes.

Submission:

Labcorp Genetics (formerly Invitae), Labcorp
Classification: Uncertain significance. Last evaluated: 2022-06-23. Review status: criteria provided, single submitter. Criteria: Invitae Variant Classification Sherloc (09022015). Collection method: clinical testing. Allele origin: germline.
Comment: This sequence change replaces leucine, which is neutral and non-polar, with phenylalanine, which is neutral and non-polar, at codon 285 of the CEP152 protein (p.Leu285Phe). This variant is present in population databases (rs368723147, gnomAD 0.02%). In summary, the available evidence is currently insufficient to determine the role of this variant in disease. Therefore, it has been classified as a Variant of Uncertain Significance. Algorithms developed to predict the effect of sequence changes on RNA splicing suggest that this variant may create or strengthen a splice site. Algorithms developed to predict the effect of missense changes on protein structure and function (SIFT, PolyPhen-2, Align-GVGD) all suggest that this variant is likely to be tolerated. This variant has not been reported in the literature in individuals affected with CEP152-related conditions.

NM_001194998.2(CEP152):c.853C>T (p.Leu285Phe)

Gene: CEP152 (centrosomal protein 152; minus strand). Cytogenetic location: 15q21.1.
Variant type: single nucleotide variant.
Coding change: c.853C>T on transcript NM_001194998.2 (MANE Select); coding-DNA position 853, C replaced by T.
Protein change: p.Leu285Phe; replaces leucine 285 with phenylalanine.
Molecular consequence: missense variant.
Genome position (GRCh38, 1-based): chr15:48,791,356, G>A on the plus strand (C>T on the coding strand, the complement: CEP152 is on the minus strand). VCF-style: chr15-48791356-G-A. GRCh37 (hg19) VCF-style: chr15-49083553-G-A.
Other names: c.853C>T, p.Leu285Phe (NM_014985.4); short protein forms L285F.
Identifiers: ClinVar variation 1948003 (VCV001948003.5), dbSNP rs368723147, ClinGen allele CA7549006.
Genomic context (GRCh38, chr15:48,791,356, plus strand): 5'-CAAGCTGTATCTCTCTTTCTTTTCCATTCTGAAAGAGTTTCTGTGATTCTCGAAGGCTGA[G>A]AGTCAAACCATCCTTTTCATCTACGGTATTAAAAATGTTTATATAAATAATGTTCCTGTA-3'
Protein context (NP_001181927.1, residues 275-295): IIKDEKDGLT[Leu285Phe]SLRESQKLFQ